The following is an entry in ClinVar:

ClinVar aggregate classification (germline): Conflicting classifications of pathogenicity. Review status: criteria provided, conflicting classifications (1 of 4 stars). 2 submissions from 2 submitters: Uncertain significance (1); Likely benign (1). Last evaluated 2023-08-17.

Allele frequency attached by ClinVar (database versions not stated): TOPMed below 0.00001; gnomAD 0.00001; gnomAD exomes 0.00001 and 0.00002; ExAC 0.00002.
gnomAD v4.1: 20 of 1,613,418 alleles (0.0012%); highest among the groups gnomAD compares: South Asian, 0.016%; no homozygotes.

Submissions (2):

Labcorp Genetics (formerly Invitae), Labcorp
Classification: Uncertain significance. Last evaluated: 2023-08-17. Review status: criteria provided, single submitter. Criteria: Invitae Variant Classification Sherloc (09022015). Collection method: clinical testing. Allele origin: germline.
Comment: This sequence change replaces serine, which is neutral and polar, with leucine, which is neutral and non-polar, at codon 444 of the TUBB3 protein (p.Ser444Leu). ClinVar contains an entry for this variant (Variation ID: 160189). Advanced modeling of protein sequence and biophysical properties (such as structural, functional, and spatial information, amino acid conservation, physicochemical variation, residue mobility, and thermodynamic stability) has been performed at Invitae for this missense variant, however the output from this modeling did not meet the statistical confidence thresholds required to predict the impact of this variant on TUBB3 protein function. In summary, the available evidence is currently insufficient to determine the role of this variant in disease. Therefore, it has been classified as a Variant of Uncertain Significance. This variant has not been reported in the literature in individuals affected with TUBB3-related conditions. This variant is present in population databases (rs587784504, gnomAD 0.01%).

Genetic Services Laboratory, University of Chicago
Classification: Likely benign. Last evaluated: 2014-06-04. Review status: criteria provided, single submitter. Criteria: ACMG Guidelines, 2015. Collection method: clinical testing. Allele origin: germline. Inheritance: Autosomal dominant inheritance.

NM_006086.4(TUBB3):c.1331C>T (p.Ser444Leu)

Gene: TUBB3 (tubulin beta 3 class III; plus strand). Cytogenetic location: 16q24.3.
Variant type: single nucleotide variant.
Coding change: c.1331C>T on transcript NM_006086.4 (MANE Select); coding-DNA position 1331, C replaced by T.
Protein change: p.Ser444Leu; replaces serine 444 with leucine.
Molecular consequence: missense variant.
Genome position (GRCh38, 1-based): chr16:89,935,782, C>T. VCF-style: chr16-89935782-C-T. GRCh37 (hg19) VCF-style: chr16-90002190-C-T.
Other names: c.1115C>T, p.Ser372Leu (NM_001197181.2); short protein forms S372L, S444L.
Identifiers: ClinVar variation 160189 (VCV000160189.10), dbSNP rs587784504, ClinGen allele CA173790.